The following is an entry in ClinVar:

ClinVar aggregate classification (germline): Uncertain significance (1 of 4 stars; one submission).

Conditions:
Inborn genetic diseases. Identifiers: MedGen C0950123, MeSH D030342.

Allele frequency attached by ClinVar (database versions not stated): gnomAD exomes 0.00002.
gnomAD v4.1: 21 of 1,368,740 alleles (0.0015%); highest among the groups gnomAD compares: Non-Finnish European, 0.002%; no homozygotes.

Submission:

Ambry Genetics
Classification: Uncertain significance for Inborn genetic diseases. Last evaluated: 2020-10-30. Review status: criteria provided, single submitter. Criteria: Ambry Variant Classification Scheme 2023. Collection method: clinical testing. Allele origin: germline.
Comment: The c.3078G>T (p.L1026F) alteration is located in exon 10 (coding exon 10) of the CRB2 gene. This alteration results from a G to T substitution at nucleotide position 3078, causing the leucine (L) at amino acid position 1026 to be replaced by a phenylalanine (F). This amino acid position is highly conserved in available vertebrate species. This missense alteration is located in a region that has a low rate of benign missense variation (Lek, 2016; Firth, 2009). The p.L1026F alteration is predicted to be tolerated by in silico analysis. Based on insufficient or conflicting evidence, the clinical significance of this alteration remains unclear.

Literature cited by the submitters: PubMed 19344873; PubMed 27535533.

NM_173689.7(CRB2):c.3078G>T (p.Leu1026Phe)

Gene: CRB2 (crumbs cell polarity complex component 2; plus strand). Cytogenetic location: 9q33.3.
Variant type: single nucleotide variant.
Coding change: c.3078G>T on transcript NM_173689.7 (MANE Select); coding-DNA position 3078, G replaced by T.
Protein change: p.Leu1026Phe; replaces leucine 1026 with phenylalanine.
Molecular consequence: missense variant. On other transcripts: non-coding transcript variant (1).
Genome position (GRCh38, 1-based): chr9:123,373,609, G>T. VCF-style: chr9-123373609-G-T. GRCh37 (hg19) VCF-style: chr9-126135888-G-T.
Other names: short protein forms L1026F.
Identifiers: ClinVar variation 2227718 (VCV002227718.2), dbSNP rs764706832, ClinGen allele CA5232351.